The following is an entry in ClinVar:

ClinVar aggregate classification (germline): Uncertain significance. Review status: criteria provided, multiple submitters, no conflicts (2 of 4 stars). 2 submissions from 2 submitters: Uncertain significance (2). Last evaluated 2024-10-21.

Submissions (2):

Labcorp Genetics (formerly Invitae), Labcorp
Classification: Uncertain significance. Last evaluated: 2024-10-21. Review status: criteria provided, single submitter. Criteria: Invitae Variant Classification Sherloc (09022015). Collection method: clinical testing. Allele origin: germline.
Comment: This variant, c.614_616del, results in the deletion of 1 amino acid(s) of the HMX1 protein (p.Lys205del), but otherwise preserves the integrity of the reading frame. This variant is not present in population databases (gnomAD no frequency). This variant has not been reported in the literature in individuals affected with HMX1-related conditions. Experimental studies and prediction algorithms are not available or were not evaluated, and the functional significance of this variant is currently unknown. In summary, the available evidence is currently insufficient to determine the role of this variant in disease. Therefore, it has been classified as a Variant of Uncertain Significance.

Blueprint Genetics
Classification: Uncertain significance. Last evaluated: 2023-09-22. Review status: criteria provided, single submitter. Criteria: ACMG Guidelines, 2015. Collection method: clinical testing. Allele origin: germline.

NM_018942.3(HMX1):c.608AGA[2] (p.Lys205del)

Gene: HMX1 (H6 family homeobox 1; minus strand). Cytogenetic location: 4p16.1.
Variant type: Microsatellite.
Coding change: c.608AGA[2] on transcript NM_018942.3 (MANE Select); two copies in a row of the 3-base unit AGA starting at c.608; the reference has three copies in a row; one copy, 3 bases deleted.
Protein change: p.Lys205del; deletes lysine 205.
Molecular consequence: inframe deletion. On other transcripts: intron variant (1).
Genome position (GRCh38, 1-based): chr4:8,868,124-8,868,126, TCT deleted on the plus strand (AGA on the coding strand, the reverse complement: HMX1 is on the minus strand); deleting any 3 consecutive bases within chr4:8,868,124-8,868,133 gives the same sequence; the position shown is the placement nearest the transcript's 3' end. VCF-style (leftmost placement, unchanged base first): chr4-8868123-GTCT-G. GRCh37 (hg19) VCF-style: chr4-8869849-GTCT-G.
Other names: c.394+3089AGA[2] (NM_001306142.2); short protein forms K205del.
Identifiers: ClinVar variation 1520168 (VCV001520168.6), dbSNP rs1474373341, ClinGen allele CA549711913.
Genomic context (GRCh38, chr4:8,868,123, plus strand): 5'-CGCTTCAGGTCGAAGGTGGATTCCAGCTGGAAGACCTGGCTGCGGGAGAAGACTGTGCGC[GTCT>G]TCTTCTTTCGGCCGCCGCCCACGCCAACGCCGCCGCGTGTCTCCCCAGCCGCCGCAGGGA-3'